The following is an entry in ClinVar:

NM_001348323.3(TRIP12):c.351T>A (p.Ser117Arg)

Gene: TRIP12 (thyroid hormone receptor interactor 12; minus strand). Cytogenetic location: 2q36.3.
Variant type: single nucleotide variant.
Coding change: c.351T>A on transcript NM_001348323.3 (MANE Select); coding-DNA position 351, T replaced by A.
Protein change: p.Ser117Arg; replaces serine 117 with arginine.
Molecular consequence: missense variant. On other transcripts: intron variant (1).
Genome position (GRCh38, 1-based): chr2:229,859,448, A>T on the plus strand (T>A on the coding strand, the complement: TRIP12 is on the minus strand). VCF-style: chr2-229859448-A-T. GRCh37 (hg19) VCF-style: chr2-230724164-A-T.
Other names: c.351T>A, p.Ser117Arg (NM_001284214.2, NM_001348315.2, NM_001348319.1 and 15 more transcripts); c.225T>A, p.Ser75Arg (NM_001284215.2, NM_001348316.2, NM_001348317.1 and 3 more transcripts); c.98+20534T>A (NM_001284216.2); short protein forms S117R, S75R.
Identifiers: ClinVar variation 3903011 (VCV003903011.1).

ClinVar aggregate classification (germline): Uncertain significance (1 of 4 stars; one submission).

Submission:

GeneDx
Classification: Uncertain significance. Last evaluated: 2024-12-16. Review status: criteria provided, single submitter. Criteria: GeneDx Variant Classification Process June 2021. Collection method: clinical testing. Allele origin: germline. Affected: yes.
Comment: Not observed at significant frequency in large population cohorts (gnomAD); In silico analysis supports that this missense variant has a deleterious effect on protein structure/function; Has not been previously published as pathogenic or benign to our knowledge